The following is an entry in ClinVar:

NM_001206979.2(NR1H4):c.747C>A (p.Leu249=)

Gene: NR1H4 (nuclear receptor subfamily 1 group H member 4; plus strand). Cytogenetic location: 12q23.1.
Variant type: single nucleotide variant.
Coding change: c.747C>A on transcript NM_001206979.2 (MANE Select); coding-DNA position 747, C replaced by A.
Protein change: p.Leu249=; no amino-acid change (leucine 249 retained).
Molecular consequence: synonymous variant. On other transcripts: non-coding transcript variant (1).
Genome position (GRCh38, 1-based): chr12:100,536,526, C>A. VCF-style: chr12-100536526-C-A. GRCh37 (hg19) VCF-style: chr12-100930304-C-A.
Other names: c.747C>A, p.Leu249= (NM_001206977.2); c.594C>A, p.Leu198= (NM_001206978.2); c.765C>A, p.Leu255= (NM_001206992.2); c.777C>A, p.Leu259= (NM_001206993.2); c.735C>A, p.Leu245= (NM_005123.4).
Identifiers: ClinVar variation 4977687 (VCV004977687.1).

ClinVar aggregate classification (germline): Likely benign (1 of 4 stars; one submission).

Conditions:
NR1H4-related disorder. Also called: NR1H4-related condition.

gnomAD v4.1: 23 of 1,607,200 alleles (0.0014%); highest among the groups gnomAD compares: African/African-American, 0.031%; no homozygotes.

Submission:

PreventionGenetics, part of Exact Sciences
Classification: Likely benign for NR1H4-related condition. Last evaluated: 2025-07-11. Review status: criteria provided, single submitter. Criteria: ACMG Guidelines, 2015. Collection method: clinical testing. Allele origin: germline.
Comment: This variant is classified as likely benign based on ACMG/AMP sequence variant interpretation guidelines (Richards et al. 2015 PMID: 25741868, with internal and published modifications).